The following is an entry in ClinVar:

ClinVar aggregate classification (germline): Uncertain significance. Review status: criteria provided, multiple submitters, no conflicts (2 of 4 stars). 3 submissions from 3 submitters: Uncertain significance (3). Last evaluated 2025-03-25.

Conditions:
Hypertrophic cardiomyopathy. Also called: HYPERTROPHIC MYOCARDIOPATHY. Identifiers: Orphanet 217569, MedGen C0007194, MeSH D002312, MONDO:0005045, HP:0001639.
Cardiovascular phenotype. Identifiers: MedGen CN230736.

Allele frequency attached by ClinVar (database versions not stated): TOPMed below 0.00001.
gnomAD v4.1: 1 of 1,559,344 alleles (0.000064%); no homozygotes.

Submissions (3):

GeneDx
Classification: Uncertain significance. Last evaluated: 2025-03-25. Review status: criteria provided, single submitter. Criteria: GeneDx Variant Classification Process June 2021. Collection method: clinical testing. Allele origin: germline. Affected: yes.
Comment: Not observed at significant frequency in large population cohorts (gnomAD); In silico analysis indicates that this missense variant does not alter protein structure/function; Has not been previously published as pathogenic or benign to our knowledge

Labcorp Genetics (formerly Invitae), Labcorp
Classification: Uncertain significance for Hypertrophic cardiomyopathy. Last evaluated: 2024-02-09. Review status: criteria provided, single submitter. Criteria: Invitae Variant Classification Sherloc (09022015). Collection method: clinical testing. Allele origin: germline.
Comment: This sequence change replaces serine, which is neutral and polar, with asparagine, which is neutral and polar, at codon 251 of the JPH2 protein (p.Ser251Asn). This variant is not present in population databases (gnomAD no frequency). This variant has not been reported in the literature in individuals affected with JPH2-related conditions. ClinVar contains an entry for this variant (Variation ID: 1759372). An algorithm developed to predict the effect of missense changes on protein structure and function (PolyPhen-2) suggests that this variant is likely to be disruptive. In summary, the available evidence is currently insufficient to determine the role of this variant in disease. Therefore, it has been classified as a Variant of Uncertain Significance.

Ambry Genetics
Classification: Uncertain significance for Cardiovascular phenotype. Last evaluated: 2022-08-07. Review status: criteria provided, single submitter. Criteria: Ambry Variant Classification Scheme 2023. Collection method: clinical testing. Allele origin: germline.
Comment: The p.S251N variant (also known as c.752G>A), located in coding exon 2 of the JPH2 gene, results from a G to A substitution at nucleotide position 752. The serine at codon 251 is replaced by asparagine, an amino acid with highly similar properties. This amino acid position is conserved. In addition, this alteration is predicted to be tolerated by in silico analysis. Since supporting evidence is limited at this time, the clinical significance of this alteration remains unclear.

NM_020433.5(JPH2):c.752G>A (p.Ser251Asn)

Gene: JPH2 (junctophilin 2; minus strand). Cytogenetic location: 20q13.12.
Variant type: single nucleotide variant.
Coding change: c.752G>A on transcript NM_020433.5 (MANE Select); coding-DNA position 752, G replaced by A.
Protein change: p.Ser251Asn; replaces serine 251 with asparagine.
Molecular consequence: missense variant.
Genome position (GRCh38, 1-based): chr20:44,160,035, C>T on the plus strand (G>A on the coding strand, the complement: JPH2 is on the minus strand). VCF-style: chr20-44160035-C-T. GRCh37 (hg19) VCF-style: chr20-42788675-C-T.
Other names: short protein forms S251N.
Identifiers: ClinVar variation 1759372 (VCV001759372.5), dbSNP rs2072597318, ClinGen allele CA409093747.
Genomic context (GRCh38, chr20:44,160,035, plus strand): 5'-TCGGCGGCCTCTCCCAGGCTGGCGGTGGACGCGGCGTCGCTGGCGCCCGAGCTGAGGTCG[C>T]TCTTAAGGAAGCTGACACGGCTGCGCTGGCTACCCACGGACGTGCGCGACTCTGCGCGCC-3'
Protein context (NP_065166.2, residues 241-261): SQRSRVSFLK[Ser251Asn]DLSSGASDAA